The following is an entry in ClinVar:

ClinVar aggregate classification (germline): Pathogenic. Review status: criteria provided, multiple submitters, no conflicts (2 of 4 stars). 2 submissions from 2 submitters: Pathogenic (2). Last evaluated 2019-12-04.

Conditions:
Duchenne muscular dystrophy (DMD). Also called: Duchenne Muscular Dystrophy (DMD); MUSCULAR DYSTROPHY, PSEUDOHYPERTROPHIC PROGRESSIVE, DUCHENNE TYPE. Identifiers: Orphanet 98896, MedGen C0013264, MONDO:0010679, OMIM 310200.

Allele frequency attached by ClinVar (database versions not stated): TOPMed below 0.00001.

Submissions (2):

Labcorp Genetics (formerly Invitae), Labcorp
Classification: Pathogenic for Duchenne muscular dystrophy. Last evaluated: 2019-12-04. Review status: criteria provided, single submitter. Criteria: Invitae Variant Classification Sherloc (09022015). Collection method: clinical testing. Allele origin: germline.
Comment: This sequence change creates a premature translational stop signal (p.Glu2591*) in the DMD gene. It is expected to result in an absent or disrupted protein product. This variant is not present in population databases (ExAC no frequency). This variant has been reported in individuals in the Leiden Open-source Variation Database (PMID: 21520333). ClinVar contains an entry for this variant (Variation ID: 94778). Loss-of-function variants in DMD are known to be pathogenic (PMID: 16770791, 25007885). For these reasons, this variant has been classified as Pathogenic.

Eurofins Ntd Llc (ga)
Classification: Pathogenic. Last evaluated: 2017-03-02. Review status: criteria provided, single submitter. Criteria: EGL Classification Definitions 2015. Collection method: clinical testing. Allele origin: germline. Observed: 1 variant allele, 1 heterozygote, 1 hemizygote.

Literature cited by the submitters: PubMed 21520333 (cited by Labcorp Genetics (formerly Invitae), Labcorp).

NM_004006.3(DMD):c.7771G>T (p.Glu2591Ter)

Gene: DMD (dystrophin; minus strand). Cytogenetic location: Xp21.1.
Variant type: single nucleotide variant.
Coding change: c.7771G>T on transcript NM_004006.3 (MANE Select); coding-DNA position 7771, G replaced by T.
Protein change: p.Glu2591Ter; replaces glutamic acid 2591 with a stop codon.
Molecular consequence: nonsense.
Genome position (GRCh38, 1-based): chrX:31,679,476, C>A on the plus strand (G>T on the coding strand, the complement: DMD is on the minus strand). VCF-style: chrX-31679476-C-A. GRCh37 (hg19) VCF-style: chrX-31697593-C-A.
Other names: NP_003997.1:p.Glu2591*; c.7747G>T, p.Glu2583Ter (NM_000109.4); c.7759G>T, p.Glu2587Ter (NM_004009.3); c.7402G>T, p.Glu2468Ter (NM_004010.3); c.3748G>T, p.Glu1250Ter (NM_004011.4); c.3739G>T, p.Glu1247Ter (NM_004012.4); c.391G>T, p.Glu131Ter (NM_004013.3, NM_004020.4, NM_004021.3 and 2 more transcripts); short protein forms E2591*, E1247*, E2468*, E2587*, E1250*, E131*, E2583*.
Identifiers: ClinVar variation 94778 (VCV000094778.6), dbSNP rs398124055, ClinGen allele CA267143.
Genomic context (GRCh38, chrX:31,679,476, plus strand): 5'-AGGGACCCTCCTTCCATGACTCAAGCTTGGCTCTGGCCTGTCCTAAGACCTGCTCAGCTT[C>A]TTCCTTAGCTTCCAGCCATTGTGTTGAATCCTTTAACATTTCATTCAACTGTTGCCTCCG-3'